The following is an entry in ClinVar:

ClinVar aggregate classification (germline): Uncertain significance (1 of 4 stars; one submission).

Allele frequency attached by ClinVar (database versions not stated): gnomAD 0.00001; TOPMed 0.00001; gnomAD exomes below 0.00001.
gnomAD v4.1: 3 of 1,577,734 alleles (0.00019%); highest among the groups gnomAD compares: Non-Finnish European, 0.00026%; no homozygotes.

Submission:

Labcorp Genetics (formerly Invitae), Labcorp
Classification: Uncertain significance. Last evaluated: 2025-04-14. Review status: criteria provided, single submitter. Criteria: Invitae Variant Classification Sherloc (09022015). Collection method: clinical testing. Allele origin: germline.
Comment: This sequence change replaces valine, which is neutral and non-polar, with methionine, which is neutral and non-polar, at codon 949 of the AUTS2 protein (p.Val949Met). This variant is not present in population databases (gnomAD no frequency). This variant has not been reported in the literature in individuals affected with AUTS2-related conditions. ClinVar contains an entry for this variant (Variation ID: 2815947). Invitae Evidence Modeling of protein sequence and biophysical properties (such as structural, functional, and spatial information, amino acid conservation, physicochemical variation, residue mobility, and thermodynamic stability) indicates that this missense variant is not expected to disrupt AUTS2 protein function with a negative predictive value of 80%. In summary, the available evidence is currently insufficient to determine the role of this variant in disease. Therefore, it has been classified as a Variant of Uncertain Significance.

NM_015570.4(AUTS2):c.2845G>A (p.Val949Met)

Gene: AUTS2 (activator of transcription and developmental regulator AUTS2; plus strand). Cytogenetic location: 7q11.22.
Variant type: single nucleotide variant.
Coding change: c.2845G>A on transcript NM_015570.4 (MANE Select); coding-DNA position 2845, G replaced by A.
Protein change: p.Val949Met; replaces valine 949 with methionine.
Molecular consequence: missense variant.
Genome position (GRCh38, 1-based): chr7:70,790,061, G>A. VCF-style: chr7-70790061-G-A. GRCh37 (hg19) VCF-style: chr7-70255047-G-A.
Other names: c.2773G>A, p.Val925Met (NM_001127231.3); short protein forms V925M, V949M.
Identifiers: ClinVar variation 2815947 (VCV002815947.3), dbSNP rs1181305637, ClinGen allele CA367664943.
Genomic context (GRCh38, chr7:70,790,061, plus strand): 5'-GCGGGCGAAGAGGCCAAGCAGCTGGCCCGGGTGCCGTCTCCCTACGTGCGGACCCCGGTG[G>A]TGGAGAGTGCCAGGCCCAACAGCACCTCGAGCCGGGAGGCCGAGCCGCGCAAGGGTGAGC-3'
Protein context (NP_056385.1, residues 939-959): VPSPYVRTPV[Val949Met]ESARPNSTSS